The following is an entry in ClinVar:

NM_005120.3(MED12):c.3968T>C (p.Leu1323Pro)

Gene: MED12 (mediator complex subunit 12; plus strand). Cytogenetic location: Xq13.1.
Variant type: single nucleotide variant.
Coding change: c.3968T>C on transcript NM_005120.3 (MANE Select); coding-DNA position 3968, T replaced by C.
Protein change: p.Leu1323Pro; replaces leucine 1323 with proline.
Molecular consequence: missense variant.
Genome position (GRCh38, 1-based): chrX:71,130,135, T>C. VCF-style: chrX-71130135-T-C. GRCh37 (hg19) VCF-style: chrX-70349985-T-C.
Other names: short protein forms L1323P.
Identifiers: ClinVar variation 452851 (VCV000452851.2), dbSNP rs1556337085, ClinGen allele CA413523892.

ClinVar aggregate classification (germline): Likely pathogenic (1 of 4 stars; one submission).

Submission:

GeneDx
Classification: Likely pathogenic. Last evaluated: 2017-10-17. Review status: criteria provided, single submitter. Criteria: GeneDx Variant Classification (06012015). Collection method: clinical testing. Allele origin: germline. Affected: yes.
Comment: The L1323P variant in the MED12 gene has not been reported previously as a pathogenic variant, nor as a benign variant, to our knowledge. The L1323P variant is not observed in large population cohorts (Lek et al., 2016). The L1323P variant is a semi-conservative amino acid substitution, which may impact secondary protein structure as these residues differ in some properties. This substitution occurs at a position that is conserved across species, and in silico analysis predicts this variant is probably damaging to the protein structure/function. We interpret L1323P as a likely pathogenic variant.